The following is an entry in ClinVar:

ClinVar aggregate classification (germline): Conflicting classifications of pathogenicity. Review status: criteria provided, conflicting classifications (1 of 4 stars). 2 submissions from 2 submitters: Uncertain significance (1); Likely benign (1). Last evaluated 2026-01-26.

Conditions:
REPS1-related disorder. Also called: REPS1-related condition.

gnomAD v4.1: 61 of 1,614,098 alleles (0.0038%); highest among the groups gnomAD compares: East Asian, 0.13%; no homozygotes.

Submissions (2):

Labcorp Genetics (formerly Invitae), Labcorp
Classification: Uncertain significance. Last evaluated: 2026-01-26. Review status: criteria provided, single submitter. Criteria: Invitae Variant Classification Sherloc (09022015). Collection method: clinical testing. Allele origin: germline.
Comment: This sequence change replaces serine, which is neutral and polar, with glycine, which is neutral and non-polar, at codon 615 of the REPS1 protein (p.Ser615Gly). This variant is present in population databases (rs138796066, gnomAD 0.2%), and has an allele count higher than expected for a pathogenic variant. This variant has not been reported in the literature in individuals affected with REPS1-related conditions. Invitae Evidence Modeling of protein sequence and biophysical properties (such as structural, functional, and spatial information, amino acid conservation, physicochemical variation, residue mobility, and thermodynamic stability) indicates that this missense variant is not expected to disrupt REPS1 protein function with a negative predictive value of 80%. In summary, the available evidence is currently insufficient to determine the role of this variant in disease. Therefore, it has been classified as a Variant of Uncertain Significance.

PreventionGenetics, part of Exact Sciences
Classification: Likely benign for REPS1-related condition. Last evaluated: 2025-05-29. Review status: criteria provided, single submitter. Criteria: ACMG Guidelines, 2015. Collection method: clinical testing. Allele origin: germline.
Comment: This variant is classified as likely benign based on ACMG/AMP sequence variant interpretation guidelines (Richards et al. 2015 PMID: 25741868, with internal and published modifications).

NM_001286611.2(REPS1):c.1843A>G (p.Ser615Gly)

Gene: REPS1 (RALBP1 associated Eps domain containing 1; minus strand). Cytogenetic location: 6q24.1.
Variant type: single nucleotide variant.
Coding change: c.1843A>G on transcript NM_001286611.2 (MANE Select); coding-DNA position 1843, A replaced by G.
Protein change: p.Ser615Gly; replaces serine 615 with glycine.
Molecular consequence: missense variant.
Genome position (GRCh38, 1-based): chr6:138,912,893, T>C on the plus strand (A>G on the coding strand, the complement: REPS1 is on the minus strand). VCF-style: chr6-138912893-T-C. GRCh37 (hg19) VCF-style: chr6-139234030-T-C.
Other names: c.1762A>G, p.Ser588Gly (NM_001128617.3); c.1570A>G, p.Ser524Gly (NM_001286612.2); c.1840A>G, p.Ser614Gly (NM_031922.5); c.1843A>G (NM_001286611.1); short protein forms S615G, S524G, S588G, S614G.
Identifiers: ClinVar variation 4750875 (VCV004750875.2).